The following is an entry in ClinVar:

ClinVar aggregate classification (germline): Uncertain significance (1 of 4 stars; one submission).

Submission:

Labcorp Genetics (formerly Invitae), Labcorp
Classification: Uncertain significance. Last evaluated: 2022-12-07. Review status: criteria provided, single submitter. Criteria: Invitae Variant Classification Sherloc (09022015). Collection method: clinical testing. Allele origin: germline.
Comment: This sequence change replaces proline, which is neutral and non-polar, with threonine, which is neutral and polar, at codon 292 of the HMCN1 protein (p.Pro292Thr). In summary, the available evidence is currently insufficient to determine the role of this variant in disease. Therefore, it has been classified as a Variant of Uncertain Significance. Algorithms developed to predict the effect of missense changes on protein structure and function are either unavailable or do not agree on the potential impact of this missense change (SIFT: "Deleterious"; PolyPhen-2: "Probably Damaging"; Align-GVGD: "Class C0"). This variant has not been reported in the literature in individuals affected with HMCN1-related conditions. This variant is not present in population databases (gnomAD no frequency).

NM_031935.3(HMCN1):c.874C>A (p.Pro292Thr)

Gene: HMCN1 (hemicentin 1; plus strand). Cytogenetic location: 1q31.1.
Variant type: single nucleotide variant.
Coding change: c.874C>A on transcript NM_031935.3 (MANE Select); coding-DNA position 874, C replaced by A.
Protein change: p.Pro292Thr; replaces proline 292 with threonine.
Molecular consequence: missense variant.
Genome position (GRCh38, 1-based): chr1:185,911,754, C>A. VCF-style: chr1-185911754-C-A. GRCh37 (hg19) VCF-style: chr1-185880886-C-A.
Other names: short protein forms P292T.
Identifiers: ClinVar variation 2818996 (VCV002818996.3), dbSNP rs1025539122, ClinGen allele CA33451079.